The following is an entry in ClinVar:

NM_014270.5(SLC7A9):c.221T>C (p.Val74Ala)

Gene: SLC7A9 (solute carrier family 7 member 9; minus strand). Cytogenetic location: 19q13.11.
Variant type: single nucleotide variant.
Coding change: c.221T>C on transcript NM_014270.5 (MANE Select); coding-DNA position 221, T replaced by C.
Protein change: p.Val74Ala; replaces valine 74 with alanine.
Molecular consequence: missense variant.
Genome position (GRCh38, 1-based): chr19:32,864,643, A>G on the plus strand (T>C on the coding strand, the complement: SLC7A9 is on the minus strand). VCF-style: chr19-32864643-A-G. GRCh37 (hg19) VCF-style: chr19-33355549-A-G.
Other names: c.221T>C, p.Val74Ala (NM_001126335.2, NM_001243036.2); short protein forms V74A.
Identifiers: ClinVar variation 4526833 (VCV004526833.2).

ClinVar aggregate classification (germline): Uncertain significance. Review status: criteria provided, multiple submitters, no conflicts (2 of 4 stars). 2 submissions from 2 submitters: Uncertain significance (2). Last evaluated 2025-12-15.

Conditions:
Cystinuria (CSNU). Also called: CYSTINURIA, TYPE I; CYSTINURIA, TYPE II; CYSTINURIA, TYPE III; Cystinuria, non-type I. Identifiers: Orphanet 214, MedGen C0010691, MONDO:0009067, OMIM 220100, HP:0003131.

gnomAD v4.1: 18 of 1,613,584 alleles (0.0011%); highest among the groups gnomAD compares: Admixed American, 0.0017%; no homozygotes.

Submissions (2):

Labcorp Genetics (formerly Invitae), Labcorp
Classification: Uncertain significance. Last evaluated: 2025-12-15. Review status: criteria provided, single submitter. Criteria: Invitae Variant Classification Sherloc (09022015). Collection method: clinical testing. Allele origin: germline.
Comment: This sequence change replaces valine, which is neutral and non-polar, with alanine, which is neutral and non-polar, at codon 74 of the SLC7A9 protein (p.Val74Ala). This variant is present in population databases (rs758889514, gnomAD 0.002%). This variant has not been reported in the literature in individuals affected with SLC7A9-related conditions. Invitae Evidence Modeling of protein sequence and biophysical properties (such as structural, functional, and spatial information, amino acid conservation, physicochemical variation, residue mobility, and thermodynamic stability) indicates that this missense variant is not expected to disrupt SLC7A9 protein function with a negative predictive value of 80%. In summary, the available evidence is currently insufficient to determine the role of this variant in disease. Therefore, it has been classified as a Variant of Uncertain Significance.

Rare Kidney Stone Consortium and the Mayo Clinic Hyperoxaluria Center, Mayo Clinic
Classification: Uncertain significance for Cystinuria. Last evaluated: 2025-10-03. Review status: criteria provided, single submitter. Criteria: ACMG Guidelines, 2015. Collection method: research. Allele origin: germline. Observed: 1 variant allele.
Comment: ACMG:PM1, PM2, PP3

Literature cited by the submitters: PubMed 40794449 (cited by Rare Kidney Stone Consortium and the Mayo Clinic Hyperoxaluria Center, Mayo Clinic).